The following is an entry in ClinVar:

ClinVar aggregate classification (germline): Benign/Likely benign. Review status: criteria provided, multiple submitters, no conflicts (2 of 4 stars). 6 submissions from 6 submitters: Benign (4); Likely benign (2). Last evaluated 2026-04-06.

Conditions:
Familial cold autoinflammatory syndrome 2 (FCAS2). Identifiers: Orphanet 247868, MedGen C2673198, MONDO:0012724, OMIM 611762.

Allele frequency attached by ClinVar (database versions not stated): 1000 Genomes Project 0.00060; 1000 Genomes Project 30x 0.00078; ESP Exome Variant Server 0.00146; gnomAD exomes 0.00191 and 0.00336; ExAC 0.00193; TOPMed 0.00230; gnomAD 0.00234 and 0.00247.
gnomAD v4.1: 5,194 of 1,614,026 alleles (0.32%); highest among the groups gnomAD compares: Non-Finnish European, 0.41%; 14 homozygotes.

Submissions (10):

Women's Health and Genetics/Laboratory Corporation of America, LabCorp
Classification: Benign. Last evaluated: 2026-04-06. Review status: criteria provided, single submitter. Criteria: LabCorp Variant Classification Summary - May 2015. Collection method: clinical testing. Allele origin: germline.

Labcorp Genetics (formerly Invitae), Labcorp
Classification: Benign for Familial cold autoinflammatory syndrome 2. Last evaluated: 2026-02-01. Review status: criteria provided, single submitter. Criteria: Invitae Variant Classification Sherloc (09022015). Collection method: clinical testing. Allele origin: germline.

Blueprint Genetics
Classification: Likely benign. Last evaluated: 2024-11-25. Review status: criteria provided, single submitter. Criteria: ACMG Guidelines, 2015. Collection method: clinical testing. Allele origin: germline.

ARUP Laboratories, Molecular Genetics and Genomics, ARUP Laboratories
Classification: Benign for Familial cold autoinflammatory syndrome 2. Last evaluated: 2024-09-16. Review status: criteria provided, single submitter. Criteria: ARUP Molecular Germline Variant Investigation Process 2024. Collection method: clinical testing. Allele origin: germline.

CeGaT Center for Human Genetics Tuebingen
Classification: Likely benign. Last evaluated: 2022-11-01. Review status: criteria provided, single submitter. Criteria: CeGaT Center For Human Genetics Tuebingen Variant Classification Criteria Version 2. Collection method: clinical testing. Allele origin: germline. Affected: yes. Observed: 3 variant alleles.
Comment: NLRP12: BS1

Illumina Laboratory Services, Illumina
Classification: Benign for Familial cold autoinflammatory syndrome 2. Last evaluated: 2018-01-13. Review status: criteria provided, single submitter. Criteria: ICSL Variant Classification Criteria 13 December 2019. Collection method: clinical testing. Allele origin: germline.
Comment: This variant was observed in the ICSL laboratory as part of a predisposition screen in an ostensibly healthy population. It had not been previously curated by ICSL or reported in the Human Gene Mutation Database (HGMD: prior to June 1st, 2018), and was therefore a candidate for classification through an automated scoring system. Utilizing variant allele frequency, disease prevalence and penetrance estimates, and inheritance mode, an automated score was calculated to assess if this variant is too frequent to cause the disease. Based on the score and internal cut-off values, a variant classified as benign is not then subjected to further curation. The score for this variant resulted in a classification of benign for this disease.

Dr. Peter K. Rogan Lab, Western University
No classification provided (evidence only). Condition: Familial cancer of breast. Review status: no classification provided. Collection method: in vitro. Allele origin: not applicable. Functional consequence: retained intron. Not counted in ClinVar's aggregate classification.

Dr. Peter K. Rogan Lab, Western University
No classification provided (evidence only). Condition: Familial cancer of breast. Review status: no classification provided. Collection method: in vitro. Allele origin: not applicable. Functional consequence: retained intron. Not counted in ClinVar's aggregate classification.

Dr. Peter K. Rogan Lab, Western University
No classification provided (evidence only). Condition: Ovarian serous cystadenocarcinoma. Review status: no classification provided. Collection method: in vitro. Allele origin: not applicable. Functional consequence: retained intron. Not counted in ClinVar's aggregate classification.

Dr. Peter K. Rogan Lab, Western University
No classification provided (evidence only). Condition: Gastric cancer. Review status: no classification provided. Collection method: in vitro. Allele origin: not applicable. Functional consequence: skipped exon. Not counted in ClinVar's aggregate classification.

NM_144687.4(NLRP12):c.2927+14A>G

Gene: NLRP12 (NLR family pyrin domain containing 12; minus strand). Cytogenetic location: 19q13.42.
Variant type: single nucleotide variant.
Coding change: c.2927+14A>G on transcript NM_144687.4 (MANE Select); 14 bases into the intron after coding-DNA position 2927, A replaced by G.
Molecular consequence: intron variant.
Genome position (GRCh38, 1-based): chr19:53,798,229, T>C on the plus strand (A>G on the coding strand, the complement: NLRP12 is on the minus strand). VCF-style: chr19-53798229-T-C. GRCh37 (hg19) VCF-style: chr19-54301483-T-C.
Other names: c.2757-2200A>G (NM_001277129.1); c.2930+14A>G (NM_001277126.2).
Identifiers: ClinVar variation 330004 (VCV000330004.52), dbSNP rs199476247, ClinGen allele CA9638858.
Genomic context (GRCh38, chr19:53,798,229, plus strand): 5'-AAAAATGAAGGATGAGAAGGCGCTTCCACTGTCCAAACGTGACCACTGCCACCCCGTCAC[T>C]CCCCGATGCTCACCACAGTTTCTGGAGTCTGCAGGCGGGATGTTGCAGCCCCTCAGCCAG-3'